The following is an entry in ClinVar:

ClinVar aggregate classification (germline): Benign/Likely benign. Review status: criteria provided, multiple submitters, no conflicts (2 of 4 stars). 2 submissions from 2 submitters: Benign (1); Likely benign (1). Last evaluated 2026-07-15.

Conditions:
Rhabdoid tumor predisposition syndrome 2 (RTPS2). Identifiers: Orphanet 231108, Orphanet 69077, MedGen C2750074, MONDO:0013224, OMIM 613325.

Allele frequency attached by ClinVar (database versions not stated): gnomAD 0.00001; gnomAD exomes 0.00001.
gnomAD v4.1: 4 of 777,604 alleles (0.00051%); highest among the groups gnomAD compares: Non-Finnish European, 0.00096%; no homozygotes.

Submissions (2):

Myriad Genetics, Inc.
Classification: Benign for Rhabdoid tumor predisposition syndrome 2. Last evaluated: 2026-07-15. Review status: criteria provided, single submitter. Criteria: Myriad Autosomal Dominant, Autosomal Recessive and X-Linked Classification Criteria (2023). Collection method: clinical testing. Allele origin: unknown.
Comment: This variant is considered benign. This variant is intronic and is not expected to impact mRNA splicing. This variant has been observed at a population frequency that is significantly greater than expected given the associated disease prevalence and penetrance.

Labcorp Genetics (formerly Invitae), Labcorp
Classification: Likely benign for Rhabdoid tumor predisposition syndrome 2. Last evaluated: 2024-08-21. Review status: criteria provided, single submitter. Criteria: Invitae Variant Classification Sherloc (09022015). Collection method: clinical testing. Allele origin: germline.

NM_003072.5(SMARCA4):c.3873+10G>A

Gene: SMARCA4 (SWI/SNF related BAF chromatin remodeling complex subunit ATPase 4; plus strand). Cytogenetic location: 19p13.2.
Variant type: single nucleotide variant.
Coding change: c.3873+10G>A on transcript NM_003072.5 (MANE Select); 10 bases into the intron after coding-DNA position 3873, G replaced by A.
Molecular consequence: intron variant.
Genome position (GRCh38, 1-based): chr19:11,033,875, G>A. VCF-style: chr19-11033875-G-A. GRCh37 (hg19) VCF-style: chr19-11144551-G-A.
Other names: c.3873+10G>A (NM_001128844.3, NM_001128849.3); c.3775-248G>A (NM_001128847.4, NM_001374457.1, NM_001128845.2 and 2 more transcripts).
Identifiers: ClinVar variation 760893 (VCV000760893.10), dbSNP rs1326731274, ClinGen allele CA632115243.